The following is an entry in ClinVar:

NC_000019.9:g.(?_12760707)_(12761056_?)del

Gene: MAN2B1 (mannosidase alpha class 2B member 1; minus strand). Cytogenetic location: 19p13.2.
Variant type: Deletion.
Identifiers: ClinVar variation 3248396 (VCV003248396.1).

ClinVar aggregate classification (germline): Pathogenic (1 of 4 stars; one submission).

Conditions:
Deficiency of alpha-mannosidase (MANSA). Also called: LYSOSOMAL ALPHA-D-MANNOSIDASE DEFICIENCY; Alpha-Mannosidosis; Mannosidosis, alpha-, types I and II. Identifiers: Orphanet 61, MedGen C0024748, MONDO:0009561, OMIM 248500.

Submission:

Labcorp Genetics (formerly Invitae), Labcorp
Classification: Pathogenic for Deficiency of alpha-mannosidase. Last evaluated: 2023-05-22. Review status: criteria provided, single submitter. Criteria: Invitae Variant Classification Sherloc (09022015). Collection method: clinical testing. Allele origin: unknown.
Comment: This variant is a gross deletion of the genomic region encompassing exon(s) 17-18 of the MAN2B1 gene. This deletion is out-of-frame, and is expected to create a premature termination codon and result in an absent or disrupted protein product. Loss-of-function variants in MAN2B1 are known to be pathogenic (PMID: 9915946, 22161967). This variant has not been reported in the literature in individuals affected with MAN2B1-related conditions. For these reasons, this variant has been classified as Pathogenic.

Literature cited by the submitters: PubMed 9915946; PubMed 22161967.